The following is an entry in ClinVar:

ClinVar aggregate classification (germline): Uncertain significance (1 of 4 stars; one submission).

Conditions:
Hereditary breast ovarian cancer syndrome. Also called: Hereditary breast and ovarian cancer; Hereditary breast and/or ovarian cancer syndrome; BRCA1- and BRCA2-Associated Hereditary Breast and Ovarian Cancer; Hereditary breast and ovarian cancer syndrome; Hereditary breast and ovarian cancer syndrome (HBOC); Breast and ovarian cancer. Identifiers: Orphanet 145, MedGen C0677776, MeSH D061325, MONDO:0003582. Disease mechanism: loss of function.

Submission:

Labcorp Genetics (formerly Invitae), Labcorp
Classification: Uncertain significance for Hereditary breast ovarian cancer syndrome. Last evaluated: 2021-08-27. Review status: criteria provided, single submitter. Criteria: Invitae Variant Classification Sherloc (09022015). Collection method: clinical testing. Allele origin: germline.
Comment: This sequence change replaces valine with alanine at codon 2747 of the BRCA2 protein (p.Val2747Ala). The valine residue is moderately conserved and there is a small physicochemical difference between valine and alanine. This variant is not present in population databases (ExAC no frequency). This variant has not been reported in the literature in individuals with BRCA2-related conditions. Advanced modeling of protein sequence and biophysical properties (such as structural, functional, and spatial information, amino acid conservation, physicochemical variation, residue mobility, and thermodynamic stability) performed at Invitae indicates that this missense variant is not expected to disrupt BRCA2 protein function. In summary, the available evidence is currently insufficient to determine the role of this variant in disease. Therefore, it has been classified as a Variant of Uncertain Significance.

NM_000059.4(BRCA2):c.8240T>C (p.Val2747Ala)

Gene: BRCA2 (BRCA2 DNA repair associated; plus strand). Cytogenetic location: 13q13.1.
Variant type: single nucleotide variant.
Coding change: c.8240T>C on transcript NM_000059.4 (MANE Select); coding-DNA position 8240, T replaced by C.
Protein change: p.Val2747Ala; replaces valine 2747 with alanine.
Molecular consequence: missense variant.
Genome position (GRCh38, 1-based): chr13:32,363,442, T>C. VCF-style: chr13-32363442-T-C. GRCh37 (hg19) VCF-style: chr13-32937579-T-C.
Other names: short protein forms V2747A.
Identifiers: ClinVar variation 1367699 (VCV001367699.8), dbSNP rs2137582184, ClinGen allele CA387749899.
Genomic context (GRCh38, chr13:32,363,442, plus strand): 5'-CTGTTAAGGCCCAGTTAGATCCTCCCCTCTTAGCTGTCTTAAAGAATGGCAGACTGACAG[T>C]TGGTCAGAAGATTATTCTTCATGGAGCAGAACTGGTGGGCTCTCCTGATGCCTGTACACC-3'
Protein context (NP_000050.3, residues 2737-2757): LAVLKNGRLT[Val2747Ala]GQKIILHGAE